The following is an entry in ClinVar:

ClinVar aggregate classification (germline): Uncertain significance (1 of 4 stars; one submission).

Allele frequency attached by ClinVar (database versions not stated): gnomAD exomes below 0.00001.
gnomAD v4.1: 1 of 1,613,828 alleles (0.000062%); highest among the groups gnomAD compares: South Asian, 0.0011%; no homozygotes.

Submission:

Geisinger Autism and Developmental Medicine Institute, Geisinger Health System
Classification: Uncertain significance. Last evaluated: 2018-02-26. Review status: criteria provided, single submitter. Criteria: ACMG Guidelines, 2015. Collection method: provider interpretation, clinical testing. Allele origin: unknown. Observed: 1 variant allele.
Comment: Dysmorphic facial features include coarse facies, hypertelorism, epicanthal folds, broad nasal tip, and wide spaced teeth. The CDC5L gene is considered a candidate gene for renal anomalies (Groenen, 1998; Hwang, 2014); however, no known human disorders have been clearly associated with this gene. This variant is absent from the gnomAD database and computational prediction models are inconsistent. Whole exome sequencing also identified a heterozygous likely pathogenic variant in KANSL1.

Literature cited by the submitters: PubMed 9598309; PubMed 24429398.

NM_001253.4(CDC5L):c.698A>G (p.Gln233Arg)

Gene: CDC5L (cell division cycle 5 like; plus strand). Cytogenetic location: 6p21.1.
Variant type: single nucleotide variant.
Coding change: c.698A>G on transcript NM_001253.4 (MANE Select); coding-DNA position 698, A replaced by G.
Protein change: p.Gln233Arg; replaces glutamine 233 with arginine.
Molecular consequence: missense variant.
Genome position (GRCh38, 1-based): chr6:44,403,967, A>G. VCF-style: chr6-44403967-A-G. GRCh37 (hg19) VCF-style: chr6-44371704-A-G.
Other names: short protein forms Q233R.
Identifiers: ClinVar variation 560247 (VCV000560247.3), dbSNP rs1561969930, ClinGen allele CA364312331.